The following is an entry in ClinVar:

ClinVar aggregate classification (germline): Conflicting classifications of pathogenicity. Review status: criteria provided, conflicting classifications (1 of 4 stars). 4 submissions from 4 submitters: Uncertain significance (1); Likely benign (3). Last evaluated 2026-08-07.

Conditions:
GALE-related disorder. Also called: GALE-related condition.
UDPglucose-4-epimerase deficiency. Also called: Galactose epimerase deficiency; UDP-GALACTOSE-4-EPIMERASE DEFICIENCY; UDPglucose 4-Epimerase Deficiency Disease; GALACTOSEMIA III; GALE DEFICIENCY; Epimerase Deficiency Galactosemia. Identifiers: Orphanet 352, Orphanet 79238, MedGen C0751161, MONDO:0009257, OMIM 230350.

Allele frequency attached by ClinVar (database versions not stated): TOPMed 0.00005; ExAC 0.00032; 1000 Genomes Project 0.00080; 1000 Genomes Project 30x 0.00109.
gnomAD v4.1: 187 of 1,614,094 alleles (0.012%); highest among the groups gnomAD compares: South Asian, 0.17%; 2 homozygotes.

Submissions (4):

PreventionGenetics, part of Exact Sciences
Classification: Likely benign for GALE-related condition. Last evaluated: 2026-08-07. Review status: criteria provided, single submitter. Criteria: ACMG Guidelines, 2015. Collection method: clinical testing. Allele origin: germline.
Comment: This variant is classified as likely benign based on ACMG/AMP sequence variant interpretation guidelines (Richards et al. 2015 PMID: 25741868, with internal and published modifications).

Labcorp Genetics (formerly Invitae), Labcorp
Classification: Likely benign for UDPglucose-4-epimerase deficiency. Last evaluated: 2025-12-30. Review status: criteria provided, single submitter. Criteria: Invitae Variant Classification Sherloc (09022015). Collection method: clinical testing. Allele origin: germline.

Blueprint Genetics
Classification: Likely benign. Last evaluated: 2024-06-28. Review status: criteria provided, single submitter. Criteria: ACMG Guidelines, 2015. Collection method: clinical testing. Allele origin: germline.

Illumina Laboratory Services, Illumina
Classification: Uncertain significance for UDPglucose-4-epimerase deficiency. Last evaluated: 2018-01-13. Review status: criteria provided, single submitter. Criteria: ICSL Variant Classification Criteria 13 December 2019. Collection method: clinical testing. Allele origin: germline.

NM_001008216.2(GALE):c.450G>A (p.Thr150=)

Gene: GALE (UDP-galactose-4-epimerase; minus strand). Cytogenetic location: 1p36.11.
Variant type: single nucleotide variant.
Coding change: c.450G>A on transcript NM_001008216.2 (MANE Select); coding-DNA position 450, G replaced by A.
Protein change: p.Thr150=; no amino-acid change (threonine 150 retained).
Molecular consequence: synonymous variant.
Genome position (GRCh38, 1-based): chr1:23,797,773, C>T on the plus strand (G>A on the coding strand, the complement: GALE is on the minus strand). VCF-style: chr1-23797773-C-T. GRCh37 (hg19) VCF-style: chr1-24124263-C-T.
Other names: c.450G>A, p.Thr150= (NM_000403.4, NM_001127621.2).
Identifiers: ClinVar variation 296833 (VCV000296833.10), dbSNP rs566884215, ClinGen allele CA685664.
Genomic context (GRCh38, chr1:23,797,773, plus strand): 5'-GTCCCGGATCATTTCCTCGATGAAGAACTTGGACTTGCCGTAAGGGTTGGTACAACCACC[C>T]GTGGGGTGGGCCTCATCAAGGGGCAGGTACTGGGGGTTCCCGTACACAGTGGCTGAGCTG-3'
Protein context (NP_001008217.1, residues 140-160): QYLPLDEAHP[Thr150=]GGCTNPYGKS